The following is an entry in ClinVar:

NM_138713.4(NFAT5):c.2866A>G (p.Met956Val)

Gene: NFAT5 (nuclear factor of activated T cells 5; plus strand). Cytogenetic location: 16q22.1.
Variant type: single nucleotide variant.
Coding change: c.2866A>G on transcript NM_138713.4 (MANE Select); coding-DNA position 2866, A replaced by G.
Protein change: p.Met956Val; replaces methionine 956 with valine.
Molecular consequence: missense variant.
Genome position (GRCh38, 1-based): chr16:69,692,691, A>G. VCF-style: chr16-69692691-A-G. GRCh37 (hg19) VCF-style: chr16-69726594-A-G.
Other names: c.2863A>G, p.Met955Val (NM_001113178.3); c.2191A>G, p.Met731Val (NM_001367709.1); c.2812A>G, p.Met938Val (NM_006599.4); c.2584A>G, p.Met862Val (NM_138714.4, NM_173214.3, NM_173215.3); c.2584A>G (NM_138714.3); short protein forms M731V, M955V, M938V, M956V, M862V.
Identifiers: ClinVar variation 2150844 (VCV002150844.5), dbSNP rs1187678352, ClinGen allele CA396511566.
Genomic context (GRCh38, chr16:69,692,691, plus strand): 5'-TCAACTGCTTCAGCAAATGGAAACCTTCAGCAATCGCCAGTTTACCAGCAGACTTCTCAC[A>G]TGATGAGTGCATTGTCTACCAATGAGGATATGCAAATGCAGTGTGAATTGTTTTCTTCTC-3'
Protein context (NP_619727.2, residues 946-966): QSPVYQQTSH[Met956Val]MSALSTNEDM

ClinVar aggregate classification (germline): Uncertain significance. Review status: criteria provided, multiple submitters, no conflicts (2 of 4 stars). 2 submissions from 2 submitters: Uncertain significance (2). Last evaluated 2026-06-24.

Conditions:
NFAT5-related disorder. Also called: NFAT5-related condition.
Immunodeficiency. Identifiers: MedGen C0021051, MONDO:0021094, HP:0002721.

Allele frequency attached by ClinVar (database versions not stated): gnomAD 0.00001; TOPMed 0.00001; gnomAD exomes 0.00002.
gnomAD v4.1: 30 of 1,614,132 alleles (0.0019%); highest among the groups gnomAD compares: Non-Finnish European, 0.0025%; no homozygotes.

Submissions (2):

PreventionGenetics, part of Exact Sciences
Classification: Uncertain significance for NFAT5-related condition. Last evaluated: 2026-06-24. Review status: criteria provided, single submitter. Criteria: ACMG Guidelines, 2015. Collection method: clinical testing. Allele origin: germline.
Comment: The NFAT5 c.2584A>G variant is predicted to result in the amino acid substitution p.Met862Val. To our knowledge, this variant has not been reported in the literature. This variant is reported in 0.00088% of alleles in individuals of European (Non-Finnish) descent in gnomAD. At this time, the clinical significance of this variant is uncertain due to the absence of conclusive functional and genetic evidence.

Labcorp Genetics (formerly Invitae), Labcorp
Classification: Uncertain significance for Immunodeficiency. Last evaluated: 2024-01-06. Review status: criteria provided, single submitter. Criteria: Invitae Variant Classification Sherloc (09022015). Collection method: clinical testing. Allele origin: germline.
Comment: This sequence change replaces methionine, which is neutral and non-polar, with valine, which is neutral and non-polar, at codon 862 of the NFAT5 protein (p.Met862Val). This variant is present in population databases (no rsID available, gnomAD 0.002%). This variant has not been reported in the literature in individuals affected with NFAT5-related conditions. ClinVar contains an entry for this variant (Variation ID: 2150844). An algorithm developed to predict the effect of missense changes on protein structure and function (PolyPhen-2) suggests that this variant is likely to be tolerated. In summary, the available evidence is currently insufficient to determine the role of this variant in disease. Therefore, it has been classified as a Variant of Uncertain Significance.